The following is an entry in ClinVar:

NM_001267550.2(TTN):c.34930+1G>T

Gene: TTN (titin; minus strand). Cytogenetic location: 2q31.2.
Variant type: single nucleotide variant.
Coding change: c.34930+1G>T on transcript NM_001267550.2 (MANE Select); the canonical splice donor site of the intron after coding-DNA position 34930, G replaced by T.
Molecular consequence: splice donor variant. On other transcripts: intron variant (3).
Genome position (GRCh38, 1-based): chr2:178,672,406, C>A on the plus strand (G>T on the coding strand, the complement: TTN is on the minus strand). VCF-style: chr2-178672406-C-A. GRCh37 (hg19) VCF-style: chr2-179537133-C-A.
Other names: c.13283-30089G>T (NM_003319.4); c.13859-30089G>T (NM_133437.4); c.13658-30089G>T (NM_133432.3); c.31027+1G>T (NM_133378.4); c.33808+1G>T (NM_001256850.1).
Identifiers: ClinVar variation 3895257 (VCV003895257.1).

ClinVar aggregate classification (germline): Likely benign (1 of 4 stars; one submission).

Submission:

Molecular Diagnostic Laboratory for Inherited Cardiovascular Disease, Montreal Heart Institute
Classification: Likely benign. Last evaluated: 2025-04-09. Review status: criteria provided, single submitter. Criteria: ACMG Guidelines, 2015. Collection method: clinical testing. Allele origin: germline. Affected: no.
Comment: PM2